The following is an entry in ClinVar:

NM_001378418.1(TCF20):c.1744A>G (p.Thr582Ala)

Gene: TCF20 (transcription factor 20; minus strand). Cytogenetic location: 22q13.2.
Variant type: single nucleotide variant.
Coding change: c.1744A>G on transcript NM_001378418.1 (MANE Select); coding-DNA position 1744, A replaced by G.
Protein change: p.Thr582Ala; replaces threonine 582 with alanine.
Molecular consequence: missense variant.
Genome position (GRCh38, 1-based): chr22:42,213,562, T>C on the plus strand (A>G on the coding strand, the complement: TCF20 is on the minus strand). VCF-style: chr22-42213562-T-C. GRCh37 (hg19) VCF-style: chr22-42609568-T-C.
Other names: c.1744A>G (NM_005650.1); c.1744A>G, p.Thr582Ala (NM_005650.4, NM_181492.3); short protein forms T582A.
Identifiers: ClinVar variation 1911418 (VCV001911418.8), dbSNP rs376787114, ClinGen allele CA10267126.
Genomic context (GRCh38, chr22:42,213,562, plus strand): 5'-TCTCATTAACCTTTGGGTTCCCGTCGGATGACAATGGCATGTCCTTAGCGCCTGGTGAGG[T>C]GGCCTCTTCTCTTGCGGCAGGACTAGCATTGAGTCTGGGGGGTTCATTCTGAGCACCTTG-3'
Protein context (NP_001365347.1, residues 572-592): NASPAAREEA[Thr582Ala]SPGAKDMPLS

ClinVar aggregate classification (germline): Conflicting classifications of pathogenicity. Review status: criteria provided, conflicting classifications (1 of 4 stars). 3 submissions from 3 submitters: Uncertain significance (1); Likely benign (2). Last evaluated 2023-11-18.

Conditions:
Inborn genetic diseases. Identifiers: MedGen C0950123, MeSH D030342.

Allele frequency attached by ClinVar (database versions not stated): ExAC 0.00004; ESP Exome Variant Server 0.00008.
gnomAD v4.1: 49 of 1,614,148 alleles (0.003%); highest among the groups gnomAD compares: Middle Eastern, 0.066%; no homozygotes.

Submissions (3):

Labcorp Genetics (formerly Invitae), Labcorp
Classification: Uncertain significance. Last evaluated: 2023-11-18. Review status: criteria provided, single submitter. Criteria: Invitae Variant Classification Sherloc (09022015). Collection method: clinical testing. Allele origin: germline.
Comment: This sequence change replaces threonine, which is neutral and polar, with alanine, which is neutral and non-polar, at codon 582 of the TCF20 protein (p.Thr582Ala). This variant is present in population databases (rs376787114, gnomAD 0.008%). This variant has not been reported in the literature in individuals affected with TCF20-related conditions. ClinVar contains an entry for this variant (Variation ID: 1911418). Algorithms developed to predict the effect of missense changes on protein structure and function output the following: SIFT: "Not Available"; PolyPhen-2: "Benign"; Align-GVGD: "Not Available". The alanine amino acid residue is found in multiple mammalian species, which suggests that this missense change does not adversely affect protein function. In summary, the available evidence is currently insufficient to determine the role of this variant in disease. Therefore, it has been classified as a Variant of Uncertain Significance.

Blueprint Genetics
Classification: Likely benign. Last evaluated: 2023-03-24. Review status: criteria provided, single submitter. Criteria: ACMG Guidelines, 2015. Collection method: clinical testing. Allele origin: germline.

Ambry Genetics
Classification: Likely benign for Inborn genetic diseases. Last evaluated: 2023-03-02. Review status: criteria provided, single submitter. Criteria: Ambry Variant Classification Scheme 2023. Collection method: clinical testing. Allele origin: germline.